The following is an entry in ClinVar:

NM_012281.3(KCND2):c.1279-2A>G

Gene: KCND2 (potassium voltage-gated channel subfamily D member 2; plus strand). Cytogenetic location: 7q31.31.
Variant type: single nucleotide variant.
Coding change: c.1279-2A>G on transcript NM_012281.3 (MANE Select); the canonical splice acceptor site of the intron before coding-DNA position 1279, A replaced by G.
Molecular consequence: splice acceptor variant.
Genome position (GRCh38, 1-based): chr7:120,741,532, A>G. VCF-style: chr7-120741532-A-G. GRCh37 (hg19) VCF-style: chr7-120381586-A-G.
Identifiers: ClinVar variation 656499 (VCV000656499.7), dbSNP rs1584903436, ClinGen allele CA369134340.
Genomic context (GRCh38, chr7:120,741,532, plus strand): 5'-ATTCACTGTTTTAAGGAAACGATTTATAAATGTTAATGGGATGTTTATTTTTTCTCCTAT[A>G]GAAAGCTAGACTGGCCAGGATCCGGGCAGCCAAAAGCGGAAGCGCAAATGCTTACATGCA-3'

ClinVar aggregate classification (germline): Uncertain significance (1 of 4 stars; one submission).

Conditions:
Early Myoclonic Encephalopathy. Identifiers: MedGen C0270855.

Submission:

Labcorp Genetics (formerly Invitae), Labcorp
Classification: Uncertain significance for Early Myoclonic Encephalopathy. Last evaluated: 2018-10-15. Review status: criteria provided, single submitter. Criteria: Invitae Variant Classification Sherloc (09022015). Collection method: clinical testing. Allele origin: germline.
Comment: In summary, the available evidence is currently insufficient to determine the role of this variant in disease. Therefore, it has been classified as a Variant of Uncertain Significance. The current clinical and genetic evidence is not sufficient to establish whether loss-of-function variants in KCND2 cause disease. Algorithms developed to predict the effect of sequence changes on RNA splicing suggest that this variant may disrupt the consensus splice site, but this prediction has not been confirmed by published transcriptional studies. This variant has not been reported in the literature in individuals with KCND2-related disease. This variant is not present in population databases (ExAC no frequency). This sequence change affects an acceptor splice site in intron 2 of the KCND2 gene. It is expected to disrupt RNA splicing and likely results in an absent or disrupted protein product.